The following is an entry in ClinVar:

NM_022455.5(NSD1):c.2437A>G (p.Lys813Glu)

Gene: NSD1 (nuclear receptor binding SET domain protein 1; plus strand). Cytogenetic location: 5q35.3.
Variant type: single nucleotide variant.
Coding change: c.2437A>G on transcript NM_022455.5 (MANE Select); coding-DNA position 2437, A replaced by G.
Protein change: p.Lys813Glu; replaces lysine 813 with glutamic acid.
Molecular consequence: missense variant.
Genome position (GRCh38, 1-based): chr5:177,210,836, A>G. VCF-style: chr5-177210836-A-G. GRCh37 (hg19) VCF-style: chr5-176637837-A-G.
Other names: c.1564A>G, p.Lys522Glu (NM_001365684.2, NM_001409306.1, NM_001409307.1 and 3 more transcripts); c.2437A>G, p.Lys813Glu (NM_001409301.1, NM_001409302.1, NM_001409303.1); c.2017A>G, p.Lys673Glu (NM_001409304.1); c.1684A>G, p.Lys562Glu (NM_001409305.1); short protein forms K522E, K562E, K673E, K813E.
Identifiers: ClinVar variation 3390481 (VCV003390481.1).
Genomic context (GRCh38, chr5:177,210,836, plus strand): 5'-AAACACAAAGAAAATCCAGTTATGGCAGAACCCCCAGTTATAAATGAGGAGTGCAGTTTG[A>G]AATGCTGCTCTTCTGATACCAAAGGCTCTCCTTTGGCCAGCATTTCTAAAAGTGGGAAAG-3'
Protein context (NP_071900.2, residues 803-823): PPVINEECSL[Lys813Glu]CCSSDTKGSP

ClinVar aggregate classification (germline): Uncertain significance (1 of 4 stars; one submission).

gnomAD v4.1: 4 of 1,614,238 alleles (0.00025%); highest among the groups gnomAD compares: East Asian, 0.0089%; no homozygotes.

Submission:

GeneDx
Classification: Uncertain significance. Last evaluated: 2024-06-13. Review status: criteria provided, single submitter. Criteria: GeneDx Variant Classification Process June 2021. Collection method: clinical testing. Allele origin: germline. Affected: yes.
Comment: Not observed at significant frequency in large population cohorts (gnomAD); In silico analysis indicates that this missense variant does not alter protein structure/function; Has not been previously published as pathogenic or benign to our knowledge